The following is an entry in ClinVar:

ClinVar aggregate classification (germline): Benign/Likely benign. Review status: criteria provided, multiple submitters, no conflicts (2 of 4 stars). 3 submissions from 3 submitters: Benign (1); Likely benign (2). Last evaluated 2026-06-05.

Conditions:
Gastrointestinal stromal tumor. Also called: Gastrointestinal stromal tumor, somatic; Gastrointestinal stroma tumor. Identifiers: Orphanet 44890, MedGen C0238198, MeSH D046152, MONDO:0011719, OMIM 606764, HP:0100723.
Hereditary cancer-predisposing syndrome. Also called: Neoplastic Syndromes, Hereditary; Tumor predisposition; Hereditary Cancer Syndrome; Hereditary neoplastic syndrome. Identifiers: Orphanet 140162, MedGen C0027672, MeSH D009386, MONDO:0015356.

Allele frequency attached by ClinVar (database versions not stated): TOPMed below 0.00001; gnomAD 0.00001.
gnomAD v4.1: 1 of 1,613,930 alleles (0.000062%); highest among the groups gnomAD compares: Non-Finnish European, 0.000085%; no homozygotes.

Submissions (3):

Myriad Genetics, Inc.
Classification: Benign for Gastrointestinal stromal tumor. Last evaluated: 2026-06-05. Review status: criteria provided, single submitter. Criteria: Myriad Autosomal Dominant, Autosomal Recessive and X-Linked Classification Criteria (2023). Collection method: clinical testing. Allele origin: unknown.
Comment: This variant is considered benign. This variant is a silent/synonymous amino acid change and it is not expected to impact splicing.

Labcorp Genetics (formerly Invitae), Labcorp
Classification: Likely benign for Gastrointestinal stromal tumor. Last evaluated: 2025-09-13. Review status: criteria provided, single submitter. Criteria: Invitae Variant Classification Sherloc (09022015). Collection method: clinical testing. Allele origin: germline.

Ambry Genetics
Classification: Likely benign for Hereditary cancer-predisposing syndrome. Last evaluated: 2024-06-23. Review status: criteria provided, single submitter. Criteria: Ambry Variant Classification Scheme 2023. Collection method: clinical testing. Allele origin: germline.

NM_000222.3(KIT):c.2856C>T (p.Asp952=)

Gene: KIT (KIT proto-oncogene, receptor tyrosine kinase; plus strand). Cytogenetic location: 4q12.
Variant type: single nucleotide variant.
Coding change: c.2856C>T on transcript NM_000222.3 (MANE Select); coding-DNA position 2856, C replaced by T.
Protein change: p.Asp952=; no amino-acid change (aspartic acid 952 retained).
Molecular consequence: synonymous variant.
Genome position (GRCh38, 1-based): chr4:54,738,482, C>T. VCF-style: chr4-54738482-C-T. GRCh37 (hg19) VCF-style: chr4-55604648-C-T.
Other names: c.2844C>T, p.Asp948= (NM_001093772.2, NM_001385292.1); c.2859C>T, p.Asp953= (NM_001385284.1); c.2853C>T, p.Asp951= (NM_001385285.1); c.2841C>T, p.Asp947= (NM_001385286.1); c.2847C>T, p.Asp949= (NM_001385288.1); c.2856C>T, p.Asp952= (NM_001385290.1).
Identifiers: ClinVar variation 2853147 (VCV002853147.5), dbSNP rs1309722112, ClinGen allele CA439292250.
Genomic context (GRCh38, chr4:54,738,482, plus strand): 5'-TCTCCAGATTTACTCCAACTTAGCAAACTGCAGCCCCAACCGACAGAAGCCCGTGGTAGA[C>T]CATTCTGTGCGGATCAATTCTGTCGGCAGCACCGCTTCCTCCTCCCAGCCTCTGCTTGTG-3'
Protein context (NP_000213.1, residues 942-962): CSPNRQKPVV[Asp952=]HSVRINSVGS